The following is an entry in ClinVar:

NM_000237.3(LPL):c.1280C>G (p.Ala427Gly)

Gene: LPL (lipoprotein lipase; plus strand). Cytogenetic location: 8p21.3.
Variant type: single nucleotide variant.
Coding change: c.1280C>G on transcript NM_000237.3 (MANE Select); coding-DNA position 1280, C replaced by G.
Protein change: p.Ala427Gly; replaces alanine 427 with glycine.
Molecular consequence: missense variant.
Genome position (GRCh38, 1-based): chr8:19,961,041, C>G. VCF-style: chr8-19961041-C-G. GRCh37 (hg19) VCF-style: chr8-19818552-C-G.
Other names: short protein forms A427G.
Identifiers: ClinVar variation 4859255 (VCV004859255.1).

ClinVar aggregate classification (germline): Uncertain significance (1 of 4 stars; one submission).

Conditions:
Cardiovascular phenotype. Identifiers: MedGen CN230736.

Submission:

Ambry Genetics
Classification: Uncertain significance for Cardiovascular phenotype. Last evaluated: 2026-04-23. Review status: criteria provided, single submitter. Criteria: Ambry Variant Classification Scheme 2023. Collection method: clinical testing. Allele origin: germline.
Comment: The p.A427G variant (also known as c.1280C>G), located in coding exon 8 of the LPL gene, results from a C to G substitution at nucleotide position 1280. The alanine at codon 427 is replaced by glycine, an amino acid with similar properties. This amino acid position is conserved. In addition, this alteration is predicted to be tolerated by in silico analysis. Based on the available evidence, the clinical significance of this variant remains unclear.